The following is an entry in ClinVar:

ClinVar aggregate classification (germline): Pathogenic. Review status: reviewed by expert panel (3 of 4 stars). 7 submissions from 7 submitters: Pathogenic (1). 6 of the submissions do not count toward it. Last evaluated 2016-09-08.

Conditions:
Hereditary cancer-predisposing syndrome. Also called: Tumor predisposition; Neoplastic Syndromes, Hereditary; Hereditary neoplastic syndrome; Hereditary Cancer Syndrome. Identifiers: Orphanet 140162, MedGen C0027672, MeSH D009386, MONDO:0015356.
Hereditary breast ovarian cancer syndrome. Also called: Hereditary breast and ovarian cancer; Hereditary breast and ovarian cancer syndrome (HBOC); Hereditary breast and/or ovarian cancer syndrome; Breast and ovarian cancer; Hereditary breast and ovarian cancer syndrome; BRCA1- and BRCA2-Associated Hereditary Breast and Ovarian Cancer. Identifiers: Orphanet 145, MedGen C0677776, MeSH D061325, MONDO:0003582. Disease mechanism: loss of function.
Breast-ovarian cancer, familial, susceptibility to, 2 (BROVCA2). Also called: BRCA2 Hereditary Breast and Ovarian Cancer. Identifiers: Orphanet 145, MedGen C2675520, MONDO:0012933, OMIM 612555. Disease mechanism: loss of function.

Submissions (7):

Evidence-based Network for the Interpretation of Germline Mutant Alleles (ENIGMA)
Classification: Pathogenic for Breast-ovarian cancer, familial, susceptibility to, 2. Last evaluated: 2016-09-08. Review status: reviewed by expert panel. Criteria: ENIGMA BRCA1/2 Classification Criteria (2015). Collection method: curation. Allele origin: germline.
Comment: Variant allele predicted to encode a truncated non-functional protein.

Ambry Genetics
Classification: Pathogenic for Hereditary cancer-predisposing syndrome. Last evaluated: 2025-03-24. Review status: criteria provided, single submitter. Criteria: Ambry Variant Classification Scheme 2023. Collection method: clinical testing. Allele origin: germline. Not counted in ClinVar's aggregate classification.
Comment: The c.7342_7343delAA pathogenic mutation, located in coding exon 13 of the BRCA2 gene, results from a deletion of two nucleotides at nucleotide positions 7342 to 7343, causing a translational frameshift with a predicted alternate stop codon (p.K2448Dfs*2). This alteration was identified in a large, worldwide study of BRCA1/2 mutation positive families (Rebbeck TR et al. Hum Mutat, 2018 05;39:593-620). This variant is considered to be rare based on population cohorts in the Genome Aggregation Database (gnomAD). In addition to the clinical data presented in the literature, this alteration is expected to result in loss of function by premature protein truncation or nonsense-mediated mRNA decay. As such, this alteration is interpreted as a disease-causing mutation.

Quest Diagnostics Nichols Institute San Juan Capistrano
Classification: Likely pathogenic. Last evaluated: 2024-08-20. Review status: criteria provided, single submitter. Criteria: Quest Diagnostics criteria. Collection method: clinical testing. Allele origin: unknown. Not counted in ClinVar's aggregate classification.
Comment: The BRCA2 c.7342_7343del (p.Lys2448Aspfs*2) variant alters the translational reading frame of the BRCA2 mRNA and is predicted to cause the premature termination of BRCA2 protein synthesis. This variant has been reported in the published literature in individuals screened for BRCA1/2 variants (PMID: 29446198 (2018), 28726806 (2018)). This variant has not been reported in large, multi-ethnic general populations (Genome Aggregation Database). Based on the available information, this variant is classified as likely pathogenic.

Labcorp Genetics (formerly Invitae), Labcorp
Classification: Pathogenic for Hereditary breast ovarian cancer syndrome. Last evaluated: 2023-08-11. Review status: criteria provided, single submitter. Criteria: Invitae Variant Classification Sherloc (09022015). Collection method: clinical testing. Allele origin: germline. Not counted in ClinVar's aggregate classification.
Comment: This sequence change creates a premature translational stop signal (p.Lys2448Aspfs*2) in the BRCA2 gene. It is expected to result in an absent or disrupted protein product. Loss-of-function variants in BRCA2 are known to be pathogenic (PMID: 20104584). This variant is not present in population databases (gnomAD no frequency). This variant has not been reported in the literature in individuals affected with BRCA2-related conditions. ClinVar contains an entry for this variant (Variation ID: 38090). For these reasons, this variant has been classified as Pathogenic.

Color Diagnostics, LLC DBA Color Health
Classification: Pathogenic for Hereditary cancer-predisposing syndrome. Last evaluated: 2022-09-14. Review status: criteria provided, single submitter. Criteria: ACMG Guidelines, 2015. Collection method: clinical testing. Allele origin: germline. Not counted in ClinVar's aggregate classification.
Comment: This variant deletes 2 nucleotides in exon 14 of the BRCA2 gene, creating a frameshift and premature translation stop signal. This variant is expected to result in an absent or non-functional protein product. This variant has been reported in a family affected with breast and/or ovarian cancer and in 1 family among the CIMBA participants (PMID: 29446198). This variant has not been identified in the general population by the Genome Aggregation Database (gnomAD). Loss of BRCA2 function is a known mechanism of disease. Based on the available evidence, this variant is classified as Pathogenic.

Consortium of Investigators of Modifiers of BRCA1/2 (CIMBA), c/o University of Cambridge
Classification: Pathogenic for Breast-ovarian cancer, familial, susceptibility to, 2. Last evaluated: 2015-10-02. Review status: criteria provided, single submitter. Criteria: CIMBA Mutation Classification guidelines May 2016. Collection method: clinical testing. Allele origin: germline. Not counted in ClinVar's aggregate classification.

Sharing Clinical Reports Project (SCRP)
Classification: Pathogenic for Breast-ovarian cancer, familial 2. Last evaluated: 2009-07-31. Review status: no assertion criteria provided. Collection method: clinical testing. Allele origin: germline. Not counted in ClinVar's aggregate classification.

Literature cited by the submitters: PubMed 29446198 (cited by 3 submitters); PubMed 28726806 (cited by Quest Diagnostics Nichols Institute San Juan Capistrano); PubMed 20104584 (cited by Labcorp Genetics (formerly Invitae), Labcorp).

NM_000059.4(BRCA2):c.7342_7343del (p.Lys2448fs)

Gene: BRCA2 (BRCA2 DNA repair associated; plus strand). Cytogenetic location: 13q13.1.
Variant type: Deletion.
Coding change: c.7342_7343del on transcript NM_000059.4 (MANE Select); coding-DNA positions 7342 to 7343, 2 bases deleted (AA; older notation c.7342_7343delAA).
Protein change: p.Lys2448fs; shifts the reading frame from lysine 2448.
Molecular consequence: frameshift variant.
Genome position (GRCh38, 1-based): chr13:32,355,195-32,355,196, AA deleted. VCF-style (leftmost placement, unchanged base first): chr13-32355194-TAA-T. GRCh37 (hg19) VCF-style: chr13-32929331-TAA-T.
Other names: 7570delAA; c.7342_7343delAA (NM_000059.3).
Identifiers: ClinVar variation 38090 (VCV000038090.15), dbSNP rs397507386, ClinGen allele CA025036.